The following is an entry in ClinVar:

ClinVar aggregate classification (germline): Uncertain significance (1 of 4 stars; one submission).

Submission:

Athena Diagnostics
Classification: Uncertain significance. Last evaluated: 2024-03-29. Review status: criteria provided, single submitter. Criteria: Athena Diagnostics Criteria. Collection method: clinical testing. Allele origin: unknown.
Comment: Available data are insufficient to determine the clinical significance of the variant at this time. This variant has not been reported in large, multi-ethnic general populations. Computational tools yielded predictions that this variant is unlikely to have an effect on normal RNA splicing. Greater than 90% of NOTCH3 pathogenic variants associated with CADASIL involve the gain or loss of a cysteine residue within the epidermal growth factor (EGF)-like repeat domain (PMID: 32457593, 20301673).

NM_000435.3(NOTCH3):c.6054G>A (p.Gln2018=)

Gene: NOTCH3 (notch receptor 3; minus strand). Cytogenetic location: 19p13.12.
Variant type: single nucleotide variant.
Coding change: c.6054G>A on transcript NM_000435.3 (MANE Select); coding-DNA position 6054, G replaced by A.
Protein change: p.Gln2018=; no amino-acid change (glutamine 2018 retained).
Molecular consequence: synonymous variant.
Genome position (GRCh38, 1-based): chr19:15,161,574, C>T on the plus strand (G>A on the coding strand, the complement: NOTCH3 is on the minus strand). VCF-style: chr19-15161574-C-T. GRCh37 (hg19) VCF-style: chr19-15272385-C-T.
Identifiers: ClinVar variation 3571745 (VCV003571745.1).